The following is an entry in ClinVar:

ClinVar aggregate classification (germline): Likely benign (0 of 4 stars; one submission).

Conditions:
KIDINS220-related disorder. Also called: KIDINS220-related condition.

gnomAD v4.1: 4 of 1,601,740 alleles (0.00025%); highest among the groups gnomAD compares: Admixed American, 0.0017%; no homozygotes.

Submission:

PreventionGenetics, part of Exact Sciences
Classification: Likely benign for KIDINS220-related condition. Last evaluated: 2024-03-27. Review status: no assertion criteria provided. Collection method: clinical testing. Allele origin: germline.
Comment: This variant is classified as likely benign based on ACMG/AMP sequence variant interpretation guidelines (Richards et al. 2015 PMID: 25741868, with internal and published modifications).

NM_020738.4(KIDINS220):c.2130A>G (p.Thr710=)

Gene: KIDINS220 (kinase D interacting substrate 220; minus strand). Cytogenetic location: 2p25.1.
Variant type: single nucleotide variant.
Coding change: c.2130A>G on transcript NM_020738.4 (MANE Select); coding-DNA position 2130, A replaced by G.
Protein change: p.Thr710=; no amino-acid change (threonine 710 retained).
Molecular consequence: synonymous variant. On other transcripts: non-coding transcript variant (2).
Genome position (GRCh38, 1-based): chr2:8,785,840, T>C on the plus strand (A>G on the coding strand, the complement: KIDINS220 is on the minus strand). VCF-style: chr2-8785840-T-C. GRCh37 (hg19) VCF-style: chr2-8925970-T-C.
Other names: c.2133A>G, p.Thr711= (NM_001348729.2, NM_001348731.2, NM_001348734.2 and 3 more transcripts); c.2130A>G, p.Thr710= (NM_001348732.2, NM_001348735.2, NM_001348738.2 and 3 more transcripts); c.2004A>G, p.Thr668= (NM_001348736.2).
Identifiers: ClinVar variation 3351914 (VCV003351914.1).